The following is an entry in ClinVar:

NM_001033046.4(CYBC1):c.385C>T (p.Arg129Trp)

Gene: CYBC1 (cytochrome b-245 chaperone 1; minus strand). Cytogenetic location: 17q25.3.
Variant type: single nucleotide variant.
Coding change: c.385C>T on transcript NM_001033046.4 (MANE Select); coding-DNA position 385, C replaced by T.
Protein change: p.Arg129Trp; replaces arginine 129 with tryptophan.
Molecular consequence: missense variant. On other transcripts: non-coding transcript variant (4).
Genome position (GRCh38, 1-based): chr17:82,444,505, G>A on the plus strand (C>T on the coding strand, the complement: CYBC1 is on the minus strand). VCF-style: chr17-82444505-G-A. GRCh37 (hg19) VCF-style: chr17-80402381-G-A.
Other names: c.385C>T, p.Arg129Trp (NM_001100407.3, NM_001193653.2, NM_001193654.2 and 2 more transcripts); c.343C>T, p.Arg115Trp (NM_001100408.3); c.385C>T (NM_001193653.1); short protein forms R115W, R129W.
Identifiers: ClinVar variation 2147713 (VCV002147713.4), dbSNP rs142011515, ClinGen allele CA8858225.

ClinVar aggregate classification (germline): Uncertain significance. Review status: criteria provided, multiple submitters, no conflicts (2 of 4 stars). 3 submissions from 3 submitters: Uncertain significance (3). Last evaluated 2024-11-09.

Allele frequency attached by ClinVar (database versions not stated): ESP Exome Variant Server 0.00008; TOPMed 0.00011; gnomAD 0.00013; 1000 Genomes Project 30x 0.00016; 1000 Genomes Project 0.00020.
gnomAD v4.1: 315 of 1,614,010 alleles (0.02%); highest among the groups gnomAD compares: Non-Finnish European, 0.025%; no homozygotes.

Submissions (3):

Ambry Genetics
Classification: Uncertain significance. Last evaluated: 2024-11-09. Review status: criteria provided, single submitter. Criteria: Ambry Variant Classification Scheme 2023. Collection method: clinical testing. Allele origin: germline.

Blueprint Genetics
Classification: Uncertain significance. Last evaluated: 2024-06-07. Review status: criteria provided, single submitter. Criteria: ACMG Guidelines, 2015. Collection method: clinical testing. Allele origin: germline.

Labcorp Genetics (formerly Invitae), Labcorp
Classification: Uncertain significance. Last evaluated: 2022-08-23. Review status: criteria provided, single submitter. Criteria: Invitae Variant Classification Sherloc (09022015). Collection method: clinical testing. Allele origin: germline.
Comment: This sequence change replaces arginine, which is basic and polar, with tryptophan, which is neutral and slightly polar, at codon 129 of the C17orf62 protein (p.Arg129Trp). This variant is present in population databases (rs142011515, gnomAD 0.02%). This variant has not been reported in the literature in individuals affected with C17orf62-related conditions. Algorithms developed to predict the effect of missense changes on protein structure and function (SIFT, PolyPhen-2, Align-GVGD) all suggest that this variant is likely to be disruptive. In summary, the available evidence is currently insufficient to determine the role of this variant in disease. Therefore, it has been classified as a Variant of Uncertain Significance.